The following is an entry in ClinVar:

NM_001395656.1(ROBO2):c.1930C>T (p.Arg644Cys)

Gene: ROBO2 (roundabout guidance receptor 2; plus strand). Cytogenetic location: 3p12.3.
Variant type: single nucleotide variant.
Coding change: c.1930C>T on transcript NM_001395656.1 (MANE Select); coding-DNA position 1930, C replaced by T.
Protein change: p.Arg644Cys; replaces arginine 644 with cysteine.
Molecular consequence: missense variant.
Genome position (GRCh38, 1-based): chr3:77,568,381, C>T. VCF-style: chr3-77568381-C-T. GRCh37 (hg19) VCF-style: chr3-77617532-C-T.
Other names: c.1966C>T, p.Arg656Cys (NM_001128929.3); c.1930C>T, p.Arg644Cys (NM_001290039.2, NM_001290040.2, NM_001378202.1); c.139C>T, p.Arg47Cys (NM_001290065.2); c.1978C>T, p.Arg660Cys (NM_001378190.1, NM_001378191.1, NM_001378195.1 and 4 more transcripts); c.1999C>T, p.Arg667Cys (NM_001378192.1, NM_001378194.1, NM_001378198.1 and 2 more transcripts); c.1918C>T, p.Arg640Cys (NM_001378193.1, NM_001378197.1, NM_002942.5); c.1987C>T, p.Arg663Cys (NM_001394212.1, NM_001394214.1, NM_001395657.1); short protein forms R47C, R640C, R644C, R656C, R660C, R667C, R663C.
Identifiers: ClinVar variation 988231 (VCV000988231.5), dbSNP rs763833545, ClinGen allele CA77502032.

ClinVar aggregate classification (germline): Uncertain significance. Review status: criteria provided, multiple submitters, no conflicts (2 of 4 stars). 3 submissions from 3 submitters: Uncertain significance (2). 1 of the submissions does not count toward it. Last evaluated 2024-07-15.

Conditions:
Inborn genetic diseases. Identifiers: MedGen C0950123, MeSH D030342.
Congenital anomaly of kidney and urinary tract. Also called: Congenital anomalies of the kidney and urinary tract; Congenital anomalies of kidney and urinary tract. Identifiers: Orphanet 93545, MedGen C1968949, MeSH C566906, MONDO:0019719.
Vesicoureteral reflux 2 (VUR2). Identifiers: Orphanet 289365, MedGen C1970483, MONDO:0012573, OMIM 610878.

Allele frequency attached by ClinVar (database versions not stated): gnomAD exomes 0.00001; TOPMed 0.00002; gnomAD 0.00003 and 0.00004.
gnomAD v4.1: 28 of 1,612,858 alleles (0.0017%); highest among the groups gnomAD compares: Middle Eastern, 0.016%; no homozygotes.

Submissions (3):

Ambry Genetics
Classification: Uncertain significance for Inborn genetic diseases. Last evaluated: 2024-07-15. Review status: criteria provided, single submitter. Criteria: Ambry Variant Classification Scheme 2023. Collection method: clinical testing. Allele origin: germline.

Fulgent Genetics
Classification: Uncertain significance for Vesicoureteral reflux 2. Last evaluated: 2024-01-30. Review status: criteria provided, single submitter. Criteria: ACMG Guidelines, 2015. Collection method: clinical testing. Allele origin: germline.

Sydney Genome Diagnostics, Children's Hospital Westmead
Classification: Uncertain significance for Congenital anomaly of kidney and urinary tract. Last evaluated: 2019-05-27. Review status: no assertion criteria provided. Collection method: clinical testing. Allele origin: unknown. Affected: yes. Observed: 1 variant allele, 1 heterozygote. Not counted in ClinVar's aggregate classification.
Comment: To our knowledge, this variant has not been previously reported in the literature or any disease specific databases to be a disease causing variant. This variant has been reported in the gnomAD browser with a very low allele frequency of 0.0008% (2 out of 248, 916 alleles). In silico analysis of pathogenicity (through Alamut Visual v2.8.1) using PolyPhen2, SIFT and MutationTaster all suggest that this variant is likely to be pathogenic. However, this analysis alone cannot be used to confirm pathogenicity. This variant is considered to be a variant of uncertain clinical significance (VOUS) according to the ACMG guidelines (Evidence used: PM2, PP3).